The following is an entry in ClinVar:

NM_020975.6(RET):c.2124C>T (p.Ala708=)

Gene: RET (ret proto-oncogene; plus strand). Cytogenetic location: 10q11.21.
Variant type: single nucleotide variant.
Coding change: c.2124C>T on transcript NM_020975.6 (MANE Select); coding-DNA position 2124, C replaced by T.
Protein change: p.Ala708=; no amino-acid change (alanine 708 retained).
Molecular consequence: synonymous variant.
Genome position (GRCh38, 1-based): chr10:43,114,724, C>T. VCF-style: chr10-43114724-C-T. GRCh37 (hg19) VCF-style: chr10-43610172-C-T.
Other names: c.2124C>T, p.Ala708= (NM_000323.2, NM_001406743.1, NM_001406744.1 and 4 more transcripts); c.1362C>T, p.Ala454= (NM_001355216.2); c.1995C>T, p.Ala665= (NM_001406761.1, NM_001406762.1, NM_001406764.1); c.1989C>T, p.Ala663= (NM_001406763.1, NM_001406765.1); c.1836C>T, p.Ala612= (NM_001406766.1, NM_001406767.1, NM_001406770.1); c.1860C>T, p.Ala620= (NM_001406768.1); c.1728C>T, p.Ala576= (NM_001406769.1, NM_001406772.1); c.1686C>T, p.Ala562= (NM_001406771.1, NM_001406773.1); and 10 more.
Identifiers: ClinVar variation 543773 (VCV000543773.20), dbSNP rs749646777, ClinGen allele CA037379.
Genomic context (GRCh38, chr10:43,114,724, plus strand): 5'-CTCTTCCGGTGCCCGCCGGCCCTCGCTGGACTCCATGGAGAACCAGGTCTCCGTGGATGC[C>T]TTCAAGATCCTGGTGAGGGTCCCTGCGGGGCAGGGAAGATCCCCTGCCCTCCCCAGCTGC-3'
Protein context (NP_066124.1, residues 698-718): DSMENQVSVD[Ala708=]FKILEDPKWE

ClinVar aggregate classification (germline): Benign/Likely benign. Review status: criteria provided, multiple submitters, no conflicts (2 of 4 stars). 5 submissions from 5 submitters: Benign (1); Likely benign (4). Last evaluated 2025-10-01.

Conditions:
Hereditary cancer-predisposing syndrome. Also called: Neoplastic Syndromes, Hereditary; Hereditary Cancer Syndrome; Tumor predisposition; Hereditary neoplastic syndrome. Identifiers: Orphanet 140162, MedGen C0027672, MeSH D009386, MONDO:0015356.
Pheochromocytoma. Also called: MAX-Related Hereditary Paraganglioma-Pheochromocytoma Syndrome. Identifiers: Orphanet 29072, MedGen C0031511, MONDO:0008233, OMIM 171300, HP:0002666.
Familial medullary thyroid carcinoma (MTC). Also called: Thyroid cancer, familial medullary; MTC, familial; Familial Medullary Thyroid Carcinoma (FMTC). Identifiers: Orphanet 653, Orphanet 99361, MedGen C1833921, MONDO:0007958, OMIM 155240.
Multiple endocrine neoplasia type 2B. Also called: Multiple endocrine neoplasia, type 3; MULTIPLE ENDOCRINE NEOPLASIA, TYPE IIB; MUCOSAL NEUROMA SYNDROME; MEN 2B; Multiple Endocrine Neoplasia Type 2B (MEN2B); MEN IIB. Identifiers: Orphanet 247709, Orphanet 653, MedGen C0025269, MeSH D018814, MONDO:0008082, OMIM 162300.
Multiple endocrine neoplasia type 2A. Also called: MULTIPLE ENDOCRINE NEOPLASIA, TYPE IIA; PTC SYNDROME; SIPPLE SYNDROME; MEN 2A; MEN-2A syndrome; Pheochromocytoma and amyloid producing medullary thyroid carcinoma. Identifiers: Orphanet 247698, Orphanet 653, MedGen C0025268, MeSH D018813, MONDO:0008234, OMIM 171400.
Hirschsprung disease, susceptibility to, 1 (HSCR1). Also called: RET-Related Hirschsprung Disease. Identifiers: Orphanet 388, MedGen C3888239, MONDO:0007723, OMIM 142623.
Multiple endocrine neoplasia, type 2 (MEN2). Identifiers: Orphanet 653, MedGen C4048306, MONDO:0019003. Disease mechanism: gain of function.

Allele frequency attached by ClinVar (database versions not stated): gnomAD exomes below 0.00001 and 0.00001; ExAC 0.00001; gnomAD 0.00002 and 0.00004; TOPMed 0.00003.
gnomAD v4.1: 9 of 1,610,318 alleles (0.00056%); highest among the groups gnomAD compares: African/African-American, 0.008%; no homozygotes.

Submissions (5):

Labcorp Genetics (formerly Invitae), Labcorp
Classification: Likely benign for Multiple endocrine neoplasia, type 2. Last evaluated: 2025-10-01. Review status: criteria provided, single submitter. Criteria: Invitae Variant Classification Sherloc (09022015). Collection method: clinical testing. Allele origin: germline.

Myriad Genetics, Inc.
Classification: Benign for Multiple endocrine neoplasia type 2A. Last evaluated: 2025-02-26. Review status: criteria provided, single submitter. Criteria: Myriad Autosomal Dominant, Autosomal Recessive and X-Linked Classification Criteria (2023). Collection method: clinical testing. Allele origin: unknown.
Comment: This variant is considered benign. This variant is a silent/synonymous amino acid change and it is not expected to impact splicing.

All of Us Research Program, National Institutes of Health
Classification: Likely benign for Multiple endocrine neoplasia, type 2. Last evaluated: 2024-01-22. Review status: criteria provided, single submitter. Criteria: ACMG Guidelines, 2015. Collection method: clinical testing. Allele origin: germline. Inheritance: Autosomal dominant inheritance. Observed: 3 variant alleles, 3 heterozygotes.
Comment: This variant is located in the RET protein. To our knowledge, functional studies have not been reported for this variant. This variant has not been reported in individuals affected with RET-related disorders in the literature. This variant has been identified in 5/277098 chromosomes in the general population by the Genome Aggregation Database (gnomAD). The available evidence is insufficient to determine the role of this variant in disease conclusively. Therefore, this variant is classified as a Variant of Uncertain Significance.

This study involves interpretation of variants in research participants for the purpose of population health screening. Participant phenotype was not available at the time of variant classification. Additional details can be found in publication PMID: 35346344, PMCID: PMC8962531

Fulgent Genetics
Classification: Likely benign for Hirschsprung disease, susceptibility to, 1; Familial medullary thyroid carcinoma; Multiple endocrine neoplasia type 2B; Pheochromocytoma; Multiple endocrine neoplasia type 2A. Last evaluated: 2022-05-27. Review status: criteria provided, single submitter. Criteria: ACMG Guidelines, 2015. Collection method: clinical testing. Allele origin: unknown.

Ambry Genetics
Classification: Likely benign for Hereditary cancer-predisposing syndrome. Last evaluated: 2019-02-15. Review status: criteria provided, single submitter. Criteria: Ambry Variant Classification Scheme 2023. Collection method: clinical testing. Allele origin: germline.